The following is an entry in ClinVar:

NM_022064.5(RNF123):c.3549A>G (p.Leu1183=)

Genes: GMPPB (GDP-mannose pyrophosphorylase B; minus strand), RNF123 (ring finger protein 123; plus strand). Cytogenetic location: 3p21.31.
Variant type: single nucleotide variant.
Coding change: c.3549A>G on transcript NM_022064.5 (MANE Select); coding-DNA position 3549, A replaced by G.
Protein change: p.Leu1183=; no amino-acid change (leucine 1183 retained).
Molecular consequence: synonymous variant. On other transcripts: 3 prime UTR variant (1), non-coding transcript variant (1).
Genome position (GRCh38, 1-based): chr3:49,720,559, A>G. VCF-style: chr3-49720559-A-G. GRCh37 (hg19) VCF-style: chr3-49757992-A-G.
Other names: c.*1193T>C (NM_021971.4).
Identifiers: ClinVar variation 4873708 (VCV004873708.2).

ClinVar aggregate classification (germline): Likely benign (1 of 4 stars; one submission).

gnomAD v4.1: 10 of 1,611,122 alleles (0.00062%); highest among the groups gnomAD compares: East Asian, 0.013%; no homozygotes.

Submission:

CeGaT Center for Human Genetics Tuebingen
Classification: Likely benign. Last evaluated: 2026-06-01. Review status: criteria provided, single submitter. Criteria: CeGaT Center For Human Genetics Tuebingen Variant Classification Criteria Version 2. Collection method: clinical testing. Allele origin: germline. Affected: yes. Observed: 1 variant allele.
Comment: RNF123: BP4, BP7